The following is an entry in ClinVar:

ClinVar aggregate classification (germline): Uncertain significance (1 of 4 stars; one submission).

gnomAD v4.1: 2 of 1,613,908 alleles (0.00012%); highest among the groups gnomAD compares: Non-Finnish European, 0.00017%; no homozygotes.

Submission:

Athena Diagnostics
Classification: Uncertain significance. Last evaluated: 2025-08-13. Review status: criteria provided, single submitter. Criteria: Athena Diagnostics Criteria. Collection method: clinical testing. Allele origin: unknown.
Comment: Available data are insufficient to determine the clinical significance of the variant at this time. This variant has not been reported in large, multi-ethnic general populations. Computational tools yielded predictions that this variant is unlikely to have an effect on normal RNA splicing.

NM_002693.3(POLG):c.2427-7C>T

Gene: POLG (DNA polymerase gamma, catalytic subunit; minus strand). Cytogenetic location: 15q26.1.
Variant type: single nucleotide variant.
Coding change: c.2427-7C>T on transcript NM_002693.3 (MANE Select); 7 bases into the intron before coding-DNA position 2427, C replaced by T.
Molecular consequence: intron variant.
Genome position (GRCh38, 1-based): chr15:89,322,022, G>A on the plus strand (C>T on the coding strand, the complement: POLG is on the minus strand). VCF-style: chr15-89322022-G-A. GRCh37 (hg19) VCF-style: chr15-89865253-G-A.
Other names: c.2427-7C>T (NM_001126131.2).
Identifiers: ClinVar variation 4682328 (VCV004682328.1).